The following is an entry in ClinVar:

NM_001025389.2(AMPD3):c.1431-3C>T

Gene: AMPD3 (adenosine monophosphate deaminase 3; plus strand). Cytogenetic location: 11p15.4.
Variant type: single nucleotide variant.
Coding change: c.1431-3C>T on transcript NM_001025389.2 (MANE Select); 3 bases into the intron before coding-DNA position 1431, C replaced by T.
Molecular consequence: intron variant.
Genome position (GRCh38, 1-based): chr11:10,496,809, C>T. VCF-style: chr11-10496809-C-T. GRCh37 (hg19) VCF-style: chr11-10518356-C-T.
Other names: c.954-3C>T (NM_001172431.2); c.1458-3C>T (NM_000480.3); c.1452-3C>T (NM_001025390.2); c.1431-3C>T (NM_001172430.1).
Identifiers: ClinVar variation 3035145 (VCV003035145.2), dbSNP rs751925691, ClinGen allele CA5883038.

ClinVar aggregate classification (germline): Likely benign (0 of 4 stars; one submission).

Conditions:
AMPD3-related disorder. Also called: AMPD3-related condition.

Allele frequency attached by ClinVar (database versions not stated): ExAC 0.00006; gnomAD 0.00015; TOPMed 0.00015; gnomAD exomes 0.00019.
gnomAD v4.1: 294 of 1,614,022 alleles (0.018%); highest among the groups gnomAD compares: Non-Finnish European, 0.024%; no homozygotes.

Submission:

PreventionGenetics, part of Exact Sciences
Classification: Likely benign for AMPD3-related condition. Last evaluated: 2019-08-12. Review status: no assertion criteria provided. Collection method: clinical testing. Allele origin: germline.
Comment: This variant is classified as likely benign based on ACMG/AMP sequence variant interpretation guidelines (Richards et al. 2015 PMID: 25741868, with internal and published modifications).